The following is an entry in ClinVar:

ClinVar aggregate classification (germline): Uncertain significance (1 of 4 stars; one submission).

Conditions:
Hypoplastic left heart syndrome. Also called: Hypoplastic left heart; Hypoplastic left ventricle. Identifiers: Orphanet 2248, MedGen C0152101, MONDO:0004933, HP:0004383.

Submission:

Labcorp Genetics (formerly Invitae), Labcorp
Classification: Uncertain significance for Hypoplastic left heart syndrome. Last evaluated: 2024-11-05. Review status: criteria provided, single submitter. Criteria: Invitae Variant Classification Sherloc (09022015). Collection method: clinical testing. Allele origin: germline.
Comment: This sequence change replaces proline, which is neutral and non-polar, with threonine, which is neutral and polar, at codon 205 of the HAND1 protein (p.Pro205Thr). This variant is present in population databases (no rsID available, gnomAD 0.007%). This variant has not been reported in the literature in individuals affected with HAND1-related conditions. An algorithm developed to predict the effect of missense changes on protein structure and function (PolyPhen-2) suggests that this variant is likely to be disruptive. In summary, the available evidence is currently insufficient to determine the role of this variant in disease. Therefore, it has been classified as a Variant of Uncertain Significance.

NM_004821.3(HAND1):c.613C>A (p.Pro205Thr)

Gene: HAND1 (heart and neural crest derivatives expressed 1; minus strand). Cytogenetic location: 5q33.2.
Variant type: single nucleotide variant.
Coding change: c.613C>A on transcript NM_004821.3 (MANE Select); coding-DNA position 613, C replaced by A.
Protein change: p.Pro205Thr; replaces proline 205 with threonine.
Molecular consequence: missense variant.
Genome position (GRCh38, 1-based): chr5:154,475,841, G>T on the plus strand (C>A on the coding strand, the complement: HAND1 is on the minus strand). VCF-style: chr5-154475841-G-T. GRCh37 (hg19) VCF-style: chr5-153855401-G-T.
Other names: short protein forms P205T.
Identifiers: ClinVar variation 3706445 (VCV003706445.2).
Genomic context (GRCh38, chr5:154,475,841, plus strand): 5'-CCAGGTCCTCGGCGCGGGCCTCGGCTCACTGGTTTAACTCCAGCGCCCAGACTTGCTGCG[G>T]CCAGCCGGTGCGTCCTTTAATCCTCTTCTCGACTGGGCCCAGGGCAGGAGGAAAACCTTC-3'
Protein context (NP_004812.1, residues 195-215): EKRIKGRTGW[Pro205Thr]QQVWALELNQ